The following is an entry in ClinVar:

ClinVar aggregate classification (germline): Uncertain significance (1 of 4 stars; one submission).

Conditions:
Familial focal epilepsy with variable foci (FPEVF). Identifiers: Orphanet 98820, MedGen C1858477, MONDO:0020310.

Allele frequency attached by ClinVar (database versions not stated): gnomAD exomes below 0.00001; gnomAD 0.00001.
gnomAD v4.1: 7 of 1,608,000 alleles (0.00044%); highest among the groups gnomAD compares: South Asian, 0.0011%; no homozygotes.

Submission:

Labcorp Genetics (formerly Invitae), Labcorp
Classification: Uncertain significance for Familial focal epilepsy with variable foci. Last evaluated: 2025-12-26. Review status: criteria provided, single submitter. Criteria: Invitae Variant Classification Sherloc (09022015). Collection method: clinical testing. Allele origin: germline.
Comment: This sequence change replaces glycine, which is neutral and non-polar, with aspartic acid, which is acidic and polar, at codon 1199 of the DEPDC5 protein (p.Gly1199Asp). This variant is not present in population databases (gnomAD no frequency). This variant has not been reported in the literature in individuals affected with DEPDC5-related conditions. ClinVar contains an entry for this variant (Variation ID: 1943111). Experimental studies and prediction algorithms are not available or were not evaluated, and the functional significance of this variant is currently unknown. In summary, the available evidence is currently insufficient to determine the role of this variant in disease. Therefore, it has been classified as a Variant of Uncertain Significance.

NM_001242896.3(DEPDC5):c.3596G>A (p.Gly1199Asp)

Gene: DEPDC5 (DEP domain containing 5, GATOR1 subcomplex subunit; plus strand). Cytogenetic location: 22q12.3.
Variant type: single nucleotide variant.
Coding change: c.3596G>A on transcript NM_001242896.3 (MANE Select); coding-DNA position 3596, G replaced by A.
Protein change: p.Gly1199Asp; replaces glycine 1199 with aspartic acid.
Molecular consequence: missense variant. On other transcripts: non-coding transcript variant (4).
Genome position (GRCh38, 1-based): chr22:31,874,305, G>A. VCF-style: chr22-31874305-G-A. GRCh37 (hg19) VCF-style: chr22-32270291-G-A.
Other names: c.3569G>A, p.Gly1190Asp (NM_001136029.4); c.3296G>A, p.Gly1099Asp (NM_001242897.2); c.3530G>A, p.Gly1177Asp (NM_001363852.2, NM_001364320.2); c.3362G>A, p.Gly1121Asp (NM_001363854.2, NM_001364319.2); c.3596G>A, p.Gly1199Asp (NM_001364318.2); c.3512G>A, p.Gly1171Asp (NM_001369901.1, NM_001369902.1); c.3503G>A, p.Gly1168Asp (NM_001369903.1, NM_014662.6); short protein forms G1099D, G1171D, G1168D, G1177D, G1121D, G1199D, G1190D.
Identifiers: ClinVar variation 1943111 (VCV001943111.5), dbSNP rs2092932146, ClinGen allele CA411277713.